The following is an entry in ClinVar:

ClinVar aggregate classification (germline): Uncertain significance (1 of 4 stars; one submission).

Conditions:
Inborn genetic diseases. Identifiers: MedGen C0950123, MeSH D030342.

gnomAD v4.1: 3 of 1,592,052 alleles (0.00019%); highest among the groups gnomAD compares: African/African-American, 0.0028%; no homozygotes.

Submission:

Ambry Genetics
Classification: Uncertain significance for Inborn genetic diseases. Last evaluated: 2026-01-26. Review status: criteria provided, single submitter. Criteria: Ambry Variant Classification Scheme 2023. Collection method: clinical testing. Allele origin: germline.
Comment: The c.63C>A (p.D21E) alteration is located in exon 1 (coding exon 1) of the YWHAG gene. This alteration results from a C to A substitution at nucleotide position 63, causing the aspartic acid (D) at amino acid position 21 to be replaced by a glutamic acid (E). Based on data from gnomAD, the A allele has an overall frequency of <0.001% (1/229628) total alleles studied. The highest observed frequency was 0.001% (1/105632) of European (non-Finnish) alleles. Based on insufficient or conflicting evidence, the clinical significance of this alteration remains unclear.

NM_012479.4(YWHAG):c.63C>A (p.Asp21Glu)

Gene: YWHAG (tyrosine 3-monooxygenase/tryptophan 5-monooxygenase activation protein gamma; minus strand). Cytogenetic location: 7q11.23.
Variant type: single nucleotide variant.
Coding change: c.63C>A on transcript NM_012479.4 (MANE Select); coding-DNA position 63, C replaced by A.
Protein change: p.Asp21Glu; replaces aspartic acid 21 with glutamic acid.
Molecular consequence: missense variant.
Genome position (GRCh38, 1-based): chr7:76,358,746, G>T on the plus strand (C>A on the coding strand, the complement: YWHAG is on the minus strand). VCF-style: chr7-76358746-G-T. GRCh37 (hg19) VCF-style: chr7-75988063-G-T.
Other names: short protein forms D21E.
Identifiers: ClinVar variation 4839735 (VCV004839735.1).